The following is an entry in ClinVar:

NM_000159.4(GCDH):c.328A>G (p.Ile110Val)

Gene: GCDH (glutaryl-CoA dehydrogenase; plus strand). Cytogenetic location: 19p13.13.
Variant type: single nucleotide variant.
Coding change: c.328A>G on transcript NM_000159.4 (MANE Select); coding-DNA position 328, A replaced by G.
Protein change: p.Ile110Val; replaces isoleucine 110 with valine.
Molecular consequence: missense variant. On other transcripts: non-coding transcript variant (1).
Genome position (GRCh38, 1-based): chr19:12,892,172, A>G. VCF-style: chr19-12892172-A-G. GRCh37 (hg19) VCF-style: chr19-13002986-A-G.
Other names: c.328A>G, p.Ile110Val (NM_013976.5); short protein forms I110V.
Identifiers: ClinVar variation 1729815 (VCV001729815.2), dbSNP rs778819048, ClinGen allele CA9234327.

ClinVar aggregate classification (germline): Uncertain significance (1 of 4 stars; one submission).

Conditions:
Inborn genetic diseases. Identifiers: MedGen C0950123, MeSH D030342.

Allele frequency attached by ClinVar (database versions not stated): gnomAD exomes 0.00001; ExAC 0.00002.

Submission:

Ambry Genetics
Classification: Uncertain significance for Inborn genetic diseases. Last evaluated: 2022-05-02. Review status: criteria provided, single submitter. Criteria: Ambry Variant Classification Scheme 2023. Collection method: clinical testing. Allele origin: germline.
Comment: The p.I110V variant (also known as c.328A>G), located in coding exon 4 of the GCDH gene, results from an A to G substitution at nucleotide position 328. The isoleucine at codon 110 is replaced by valine, an amino acid with highly similar properties. This amino acid position is conserved. In addition, the in silico prediction for this alteration is inconclusive. Since supporting evidence is limited at this time, the clinical significance of this alteration remains unclear.